The following is an entry in ClinVar:

NM_174902.4(LDLRAD3):c.807G>A (p.Ala269=)

Gene: LDLRAD3 (low density lipoprotein receptor class A domain containing 3; plus strand). Cytogenetic location: 11p13.
Variant type: single nucleotide variant.
Coding change: c.807G>A on transcript NM_174902.4 (MANE Select); coding-DNA position 807, G replaced by A.
Protein change: p.Ala269=; no amino-acid change (alanine 269 retained).
Molecular consequence: synonymous variant.
Genome position (GRCh38, 1-based): chr11:36,229,166, G>A. VCF-style: chr11-36229166-G-A. GRCh37 (hg19) VCF-style: chr11-36250716-G-A.
Other names: c.660G>A, p.Ala220= (NM_001304263.2); c.444G>A, p.Ala148= (NM_001304264.2).
Identifiers: ClinVar variation 2641724 (VCV002641724.24), dbSNP rs760761455, ClinGen allele CA5948865.
Genomic context (GRCh38, chr11:36,229,166, plus strand): 5'-TTCTCTTCTCTTCCTGTCTCCATTGCCCCTGCCCCCCTGCTGTCCCCATCACAGGCCTGC[G>A]TGGTATGACCTTCCTCCACCGCCCTACTCTTCTGACACGGAATCTCTGAACCAAGCCGAC-3'
Protein context (NP_777562.1, residues 259-279): YSEALLDQRP[Ala269=]WYDLPPPPYS

ClinVar aggregate classification (germline): Likely benign (1 of 4 stars; one submission).

Allele frequency attached by ClinVar (database versions not stated): gnomAD 0.00011; ExAC 0.00015; gnomAD exomes 0.00023.
gnomAD v4.1: 351 of 1,613,286 alleles (0.022%); highest among the groups gnomAD compares: South Asian, 0.066%; no homozygotes.

Submission:

CeGaT Center for Human Genetics Tuebingen
Classification: Likely benign. Last evaluated: 2023-04-01. Review status: criteria provided, single submitter. Criteria: CeGaT Center For Human Genetics Tuebingen Variant Classification Criteria Version 2. Collection method: clinical testing. Allele origin: germline. Affected: yes. Observed: 1 variant allele.
Comment: LDLRAD3: BP4, BP7